The following is an entry in ClinVar:

ClinVar aggregate classification (germline): Uncertain significance. Review status: criteria provided, multiple submitters, no conflicts (2 of 4 stars). 3 submissions from 3 submitters: Uncertain significance (2). 1 of the submissions does not count toward it. Last evaluated 2024-09-04.

Conditions:
ABCB11-related disorder. Also called: ABCB11-related condition.

Submissions (3):

Labcorp Genetics (formerly Invitae), Labcorp
Classification: Uncertain significance. Last evaluated: 2024-09-04. Review status: criteria provided, single submitter. Criteria: Invitae Variant Classification Sherloc (09022015). Collection method: clinical testing. Allele origin: germline.
Comment: This sequence change replaces leucine, which is neutral and non-polar, with proline, which is neutral and non-polar, at codon 80 of the ABCB11 protein (p.Leu80Pro). This variant is not present in population databases (gnomAD no frequency). This variant has not been reported in the literature in individuals affected with ABCB11-related conditions. ClinVar contains an entry for this variant (Variation ID: 282811). Invitae Evidence Modeling of protein sequence and biophysical properties (such as structural, functional, and spatial information, amino acid conservation, physicochemical variation, residue mobility, and thermodynamic stability) has been performed for this missense variant. However, the output from this modeling did not meet the statistical confidence thresholds required to predict the impact of this variant on ABCB11 protein function. In summary, the available evidence is currently insufficient to determine the role of this variant in disease. Therefore, it has been classified as a Variant of Uncertain Significance.

Eurofins Ntd Llc (ga)
Classification: Uncertain significance. Last evaluated: 2015-08-28. Review status: criteria provided, single submitter. Criteria: EGL Classification Definitions 2015. Collection method: clinical testing. Allele origin: germline. Observed: 2 variant alleles, 1 heterozygote, 1 homozygote.

PreventionGenetics, part of Exact Sciences
Classification: Uncertain significance for ABCB11-related condition. Last evaluated: 2024-02-02. Review status: no assertion criteria provided. Collection method: clinical testing. Allele origin: germline. Not counted in ClinVar's aggregate classification.
Comment: The ABCB11 c.239T>C variant is predicted to result in the amino acid substitution p.Leu80Pro. To our knowledge, this variant has not been reported in the literature or in a large population database, indicating this variant is rare. At this time, the clinical significance of this variant is uncertain due to the absence of conclusive functional and genetic evidence.

NM_003742.4(ABCB11):c.239T>C (p.Leu80Pro)

Gene: ABCB11 (ATP binding cassette subfamily B member 11; minus strand). Cytogenetic location: 2q31.1.
Variant type: single nucleotide variant.
Coding change: c.239T>C on transcript NM_003742.4 (MANE Select); coding-DNA position 239, T replaced by C.
Protein change: p.Leu80Pro; replaces leucine 80 with proline.
Molecular consequence: missense variant.
Genome position (GRCh38, 1-based): chr2:169,013,422, A>G on the plus strand (T>C on the coding strand, the complement: ABCB11 is on the minus strand). VCF-style: chr2-169013422-A-G. GRCh37 (hg19) VCF-style: chr2-169869932-A-G.
Other names: c.239T>C, p.Leu80Pro (LRG_1199t1); c.239T>C (NM_003742.2); short protein forms L80P.
Identifiers: ClinVar variation 282811 (VCV000282811.9), dbSNP rs886042487, ClinGen allele CA10604303.
Genomic context (GRCh38, chr2:169,013,422, plus strand): 5'-AGTTCTTGTAACTCAACGTCGTAGTCAATAAAAACATCTGTCATTGTGCCAAAAATGAGT[A>G]GCACGCCTGGCTGGGCTATTCCATGGAGAAATGCACACAAACTTCCCACAAACATCAGCC-3'
Protein context (NP_003733.2, residues 70-90): FLHGIAQPGV[Leu80Pro]LIFGTMTDVF